The following is an entry in ClinVar:

NM_000059.4(BRCA2):c.5447G>A (p.Ser1816Asn)

Gene: BRCA2 (BRCA2 DNA repair associated; plus strand). Cytogenetic location: 13q13.1.
Variant type: single nucleotide variant.
Coding change: c.5447G>A on transcript NM_000059.4 (MANE Select); coding-DNA position 5447, G replaced by A.
Protein change: p.Ser1816Asn; replaces serine 1816 with asparagine.
Molecular consequence: missense variant. On other transcripts: non-coding transcript variant (1), intron variant (2).
Genome position (GRCh38, 1-based): chr13:32,339,802, G>A. VCF-style: chr13-32339802-G-A. GRCh37 (hg19) VCF-style: chr13-32913939-G-A.
Other names: c.5447G>A, p.Ser1816Asn (NM_001406719.1, NM_001406720.1, NM_001432077.1); c.1910-4756G>A (NM_001406721.1); c.425-4756G>A (NM_001406722.1); short protein forms S1816N.
Identifiers: ClinVar variation 4802312 (VCV004802312.1).

ClinVar aggregate classification (germline): Uncertain significance (1 of 4 stars; one submission).

Conditions:
Hereditary breast ovarian cancer syndrome. Also called: Hereditary breast and ovarian cancer syndrome (HBOC); Hereditary breast and ovarian cancer; Breast and ovarian cancer; Hereditary breast and/or ovarian cancer syndrome; BRCA1- and BRCA2-Associated Hereditary Breast and Ovarian Cancer; Hereditary breast and ovarian cancer syndrome. Identifiers: Orphanet 145, MedGen C0677776, MeSH D061325, MONDO:0003582. Disease mechanism: loss of function.

Submission:

Labcorp Genetics (formerly Invitae), Labcorp
Classification: Uncertain significance for Hereditary breast ovarian cancer syndrome. Last evaluated: 2025-06-22. Review status: criteria provided, single submitter. Criteria: Invitae Variant Classification Sherloc (09022015). Collection method: clinical testing. Allele origin: germline.
Comment: This sequence change replaces serine, which is neutral and polar, with asparagine, which is neutral and polar, at codon 1816 of the BRCA2 protein (p.Ser1816Asn). This variant is not present in population databases (gnomAD no frequency). This variant has not been reported in the literature in individuals affected with BRCA2-related conditions. Invitae Evidence Modeling of protein sequence and biophysical properties (such as structural, functional, and spatial information, amino acid conservation, physicochemical variation, residue mobility, and thermodynamic stability) indicates that this missense variant is not expected to disrupt BRCA2 protein function with a negative predictive value of 95%. In summary, the available evidence is currently insufficient to determine the role of this variant in disease. Therefore, it has been classified as a Variant of Uncertain Significance.